The following is an entry in ClinVar:

NM_001393504.1(MAST3):c.1397G>A (p.Arg466Gln)

Gene: MAST3 (microtubule associated serine/threonine kinase 3; plus strand). Cytogenetic location: 19p13.11.
Variant type: single nucleotide variant.
Coding change: c.1397G>A on transcript NM_001393504.1 (MANE Select); coding-DNA position 1397, G replaced by A.
Protein change: p.Arg466Gln; replaces arginine 466 with glutamine.
Molecular consequence: missense variant.
Genome position (GRCh38, 1-based): chr19:18,130,667, G>A. VCF-style: chr19-18130667-G-A. GRCh37 (hg19) VCF-style: chr19-18241477-G-A.
Other names: c.1421G>A, p.Arg474Gln (NM_001393501.1); c.1400G>A, p.Arg467Gln (NM_001393502.1); c.1397G>A, p.Arg466Gln (NM_001393503.1); c.1394G>A, p.Arg465Gln (NM_001393505.1); c.1349G>A, p.Arg450Gln (NM_001393506.1, NM_001393513.1); c.1376G>A, p.Arg459Gln (NM_001393507.1); c.1331G>A, p.Arg444Gln (NM_001393508.1, NM_001393516.1); c.1328G>A, p.Arg443Gln (NM_001393509.1, NM_001393510.1, NM_001393512.1 and 2 more transcripts); and 4 more; short protein forms R428Q, R436Q, R437Q, R442Q, R443Q, R444Q, R450Q, R459Q.
Identifiers: ClinVar variation 2649565 (VCV002649565.24), dbSNP rs774070657, ClinGen allele CA306166570.

ClinVar aggregate classification (germline): Uncertain significance (1 of 4 stars; one submission).

Allele frequency attached by ClinVar (database versions not stated): TOPMed below 0.00001; gnomAD 0.00001; gnomAD exomes 0.00001.
gnomAD v4.1: 13 of 1,613,896 alleles (0.00081%); highest among the groups gnomAD compares: Admixed American, 0.0017%; no homozygotes.

Submission:

CeGaT Center for Human Genetics Tuebingen
Classification: Uncertain significance. Last evaluated: 2023-10-01. Review status: criteria provided, single submitter. Criteria: CeGaT Center For Human Genetics Tuebingen Variant Classification Criteria Version 2. Collection method: clinical testing. Allele origin: germline. Affected: yes. Observed: 1 variant allele.
Comment: MAST3: PM2, PS2:Supporting